The following is an entry in ClinVar:

NM_152383.5(DIS3L2):c.2530C>G (p.Leu844Val)

Gene: DIS3L2 (DIS3 like 3'-5' exoribonuclease 2; plus strand). Cytogenetic location: 2q37.1.
Variant type: single nucleotide variant.
Coding change: c.2530C>G on transcript NM_152383.5 (MANE Select); coding-DNA position 2530, C replaced by G.
Protein change: p.Leu844Val; replaces leucine 844 with valine.
Molecular consequence: missense variant. On other transcripts: non-coding transcript variant (2), intron variant (1).
Genome position (GRCh38, 1-based): chr2:232,336,502, C>G. VCF-style: chr2-232336502-C-G. GRCh37 (hg19) VCF-style: chr2-233201212-C-G.
Other names: c.1582-6843C>G (NM_001257281.2); short protein forms L844V.
Identifiers: ClinVar variation 1019389 (VCV001019389.8), dbSNP rs1695953822, ClinGen allele CA350978903.

ClinVar aggregate classification (germline): Uncertain significance (1 of 4 stars; one submission).

Conditions:
Perlman syndrome (PRLMNS). Identifiers: Orphanet 2849, MedGen C0796113, MONDO:0009965, OMIM 267000.

Allele frequency attached by ClinVar (database versions not stated): TOPMed below 0.00001.

Submission:

Labcorp Genetics (formerly Invitae), Labcorp
Classification: Uncertain significance for Perlman syndrome. Last evaluated: 2020-05-14. Review status: criteria provided, single submitter. Criteria: Invitae Variant Classification Sherloc (09022015). Collection method: clinical testing. Allele origin: germline.
Comment: In summary, the available evidence is currently insufficient to determine the role of this variant in disease. Therefore, it has been classified as a Variant of Uncertain Significance. Algorithms developed to predict the effect of missense changes on protein structure and function are either unavailable or do not agree on the potential impact of this missense change (SIFT: "Tolerated"; PolyPhen-2: "Probably Damaging"; Align-GVGD: "Class C0"). This variant has not been reported in the literature in individuals with DIS3L2-related conditions. This variant is not present in population databases (ExAC no frequency). This sequence change replaces leucine with valine at codon 844 of the DIS3L2 protein (p.Leu844Val). The leucine residue is moderately conserved and there is a small physicochemical difference between leucine and valine.